The following is an entry in ClinVar:

ClinVar aggregate classification (germline): Conflicting classifications of pathogenicity. Review status: criteria provided, conflicting classifications (1 of 4 stars). 2 submissions from 2 submitters: Uncertain significance (1); Likely benign (1). Last evaluated 2025-06-29.

Allele frequency attached by ClinVar (database versions not stated): gnomAD 0.00001; TOPMed 0.00004; 1000 Genomes Project 30x 0.00031; ExAC 0.00001; 1000 Genomes Project 0.00020.
gnomAD v4.1: 5 of 1,613,962 alleles (0.00031%); highest among the groups gnomAD compares: Admixed American, 0.005%; no homozygotes.

Submissions (2):

GeneDx
Classification: Uncertain significance. Last evaluated: 2025-06-29. Review status: criteria provided, single submitter. Criteria: GeneDx Variant Classification Process June 2021. Collection method: clinical testing. Allele origin: germline. Affected: yes.
Comment: Not observed at significant frequency in large population cohorts (gnomAD); In silico analysis suggests that this variant does not alter splicing; Has not been previously published as pathogenic or benign to our knowledge

Laboratory for Molecular Medicine, Mass General Brigham Personalized Medicine
Classification: Likely benign. Last evaluated: 2014-06-03. Review status: criteria provided, single submitter. Criteria: LMM Criteria. Collection method: clinical testing. Allele origin: germline. Observed: 1 variant allele.
Comment: Gly1783Gly in exon 12 of TRIOBP: This variant is not expected to have clinical s ignificance because it does not alter an amino acid residue and is not located w ithin the splice consensus sequence. It has been identified in 0.9% (1/110) of h ispanic chromosomes by the 1000 Genomes Project (dbS NP rs201691906).

NM_001039141.3(TRIOBP):c.5349A>T (p.Gly1783=)

Genes: TRIOBP (TRIO and F-actin binding protein; plus strand), LOC126863144 (CDK7 strongly-dependent group 2 enhancer GRCh37_chr22:38147547-38148746; plus strand). Cytogenetic location: 22q13.1.
Variant type: single nucleotide variant.
Coding change: c.5349A>T on transcript NM_001039141.3 (MANE Select); coding-DNA position 5349, A replaced by T.
Protein change: p.Gly1783=; no amino-acid change (glycine 1783 retained).
Molecular consequence: synonymous variant.
Genome position (GRCh38, 1-based): chr22:37,751,798, A>T. VCF-style: chr22-37751798-A-T. GRCh37 (hg19) VCF-style: chr22-38147805-A-T.
Other names: c.210A>T, p.Gly70= (NM_007032.5, NM_138632.2).
Identifiers: ClinVar variation 165599 (VCV000165599.6), dbSNP rs201691906, ClinGen allele CA178341.